The following is an entry in ClinVar:

NM_001370259.2(MEN1):c.935A>C (p.Tyr312Ser)

Gene: MEN1 (menin 1; minus strand). Cytogenetic location: 11q13.1.
Variant type: single nucleotide variant.
Coding change: c.935A>C on transcript NM_001370259.2 (MANE Select); coding-DNA position 935, A replaced by C.
Protein change: p.Tyr312Ser; replaces tyrosine 312 with serine.
Molecular consequence: missense variant. On other transcripts: non-coding transcript variant (4).
Genome position (GRCh38, 1-based): chr11:64,806,346, T>G on the plus strand (A>C on the coding strand, the complement: MEN1 is on the minus strand). VCF-style: chr11-64806346-T-G. GRCh37 (hg19) VCF-style: chr11-64573818-T-G.
Other names: c.935A>C, p.Tyr312Ser (NM_001407152.1, NM_130799.3, NM_001370251.2 and 7 more transcripts); c.950A>C, p.Tyr317Ser (NM_130800.3, NM_130801.3, NM_000244.4 and 5 more transcripts); c.830A>C, p.Tyr277Ser (NM_001370262.2, NM_001370263.2, NM_001407148.1 and 2 more transcripts); short protein forms Y277S, Y317S, Y312S.
Identifiers: ClinVar variation 2626602 (VCV002626602.2), dbSNP rs1592643944, ClinGen allele CA381183417.
Genomic context (GRCh38, chr11:64,806,346, plus strand): 5'-CGGTTGCGACAGTGGTAGCCAGCCAGGTACATGTAGGGGTAGATGTGTTCATCCCGATAG[T>G]AGGTCTTGGCTGAGGCAATGCCCTGGATGGAGGTGAGGCAGAGGATCCTCAGGGAGGCAG-3'
Protein context (NP_001357188.2, residues 302-322): YHKGIASAKT[Tyr312Ser]YRDEHIYPYM

ClinVar aggregate classification (germline): Uncertain significance (1 of 4 stars; one submission).

Conditions:
Hereditary cancer-predisposing syndrome. Also called: Tumor predisposition; Hereditary Cancer Syndrome; Hereditary neoplastic syndrome; Neoplastic Syndromes, Hereditary. Identifiers: Orphanet 140162, MedGen C0027672, MeSH D009386, MONDO:0015356.

Submission:

Ambry Genetics
Classification: Uncertain significance for Hereditary cancer-predisposing syndrome. Last evaluated: 2023-09-07. Review status: criteria provided, single submitter. Criteria: Ambry Variant Classification Scheme 2023. Collection method: clinical testing. Allele origin: germline.
Comment: The p.Y312S variant (also known as c.935A>C), located in coding exon 6 of the MEN1 gene, results from an A to C substitution at nucleotide position 935. The tyrosine at codon 312 is replaced by serine, an amino acid with dissimilar properties. This amino acid position is conserved. In addition, this alteration is predicted to be deleterious by in silico analysis. Since supporting evidence is limited at this time, the clinical significance of this alteration remains unclear.